The following is an entry in ClinVar:

NM_001365536.1(SCN9A):c.5269G>A (p.Ala1757Thr)

Genes: SCN1A-AS1 (SCN1A and SCN9A antisense RNA 1; plus strand), SCN9A (sodium voltage-gated channel alpha subunit 9; minus strand). Cytogenetic location: 2q24.3.
Variant type: single nucleotide variant.
Coding change: c.5269G>A on transcript NM_001365536.1 (MANE Select); coding-DNA position 5269, G replaced by A.
Protein change: p.Ala1757Thr; replaces alanine 1757 with threonine.
Molecular consequence: missense variant.
Genome position (GRCh38, 1-based): chr2:166,199,370, C>T on the plus strand (G>A on the coding strand, the complement: SCN9A is on the minus strand). VCF-style: chr2-166199370-C-T. GRCh37 (hg19) VCF-style: chr2-167055880-C-T.
Other names: c.5236G>A, p.Ala1746Thr (NM_002977.4); short protein forms A1746T, A1757T.
Identifiers: ClinVar variation 2581931 (VCV002581931.1), dbSNP rs2468877143, ClinGen allele CA349053835.

ClinVar aggregate classification (germline): Uncertain significance (1 of 4 stars; one submission).

Submission:

GeneDx
Classification: Uncertain significance. Last evaluated: 2023-03-30. Review status: criteria provided, single submitter. Criteria: GeneDx Variant Classification Process June 2021. Collection method: clinical testing. Allele origin: germline. Affected: yes.
Comment: Not observed at significant frequency in large population cohorts (gnomAD); In silico analysis supports that this missense variant has a deleterious effect on protein structure/function; Has not been previously published as pathogenic or benign to our knowledge